The following is an entry in ClinVar:

NM_001257291.2(SLC9A7):c.1112G>A (p.Ser371Asn)

Gene: SLC9A7 (solute carrier family 9 member A7; minus strand). Cytogenetic location: Xp11.3.
Variant type: single nucleotide variant.
Coding change: c.1112G>A on transcript NM_001257291.2 (MANE Select); coding-DNA position 1112, G replaced by A.
Protein change: p.Ser371Asn; replaces serine 371 with asparagine.
Molecular consequence: missense variant.
Genome position (GRCh38, 1-based): chrX:46,653,644, C>T on the plus strand (G>A on the coding strand, the complement: SLC9A7 is on the minus strand). VCF-style: chrX-46653644-C-T. GRCh37 (hg19) VCF-style: chrX-46513079-C-T.
Other names: c.1109G>A, p.Ser370Asn (NM_032591.3); short protein forms S370N, S371N.
Identifiers: ClinVar variation 1683727 (VCV001683727.2), dbSNP rs1943620091, ClinGen allele CA413035951.

ClinVar aggregate classification (germline): Uncertain significance (1 of 4 stars; one submission).

Conditions:
Intellectual developmental disorder, X-linked 108. Also called: MENTAL RETARDATION, X-LINKED 108. Identifiers: MedGen C5193009, MONDO:0026723, OMIM 301024.

Allele frequency attached by ClinVar (database versions not stated): TOPMed below 0.00001; gnomAD exomes below 0.00001.

Submission:

Laboratorio de Genetica e Diagnostico Molecular, Hospital Israelita Albert Einstein
Classification: Uncertain significance for Intellectual developmental disorder, X-linked 108. Last evaluated: 2021-12-23. Review status: criteria provided, single submitter. Criteria: ACMG Guidelines, 2015. Collection method: clinical testing. Allele origin: germline. Affected: yes.
Comment: ACMG classification criteria: PM2 moderate, BP4 supporting